The following is an entry in ClinVar:

ClinVar aggregate classification (germline): Likely benign (0 of 4 stars; one submission).

Conditions:
NRP1-related disorder. Also called: NRP1-related condition.

Submissions (2):

PreventionGenetics, part of Exact Sciences
Classification: Likely benign for NRP1-related condition. Last evaluated: 2022-04-12. Review status: no assertion criteria provided. Collection method: clinical testing. Allele origin: germline.
Comment: This variant is classified as likely benign based on ACMG/AMP sequence variant interpretation guidelines (Richards et al. 2015 PMID: 25741868, with internal and published modifications).

Dr. Peter K. Rogan Lab, Western University
No classification provided (evidence only). Condition: Colon adenocarcinoma. Review status: no classification provided. Collection method: in vitro. Allele origin: not applicable. Functional consequence: retained intron. Not counted in ClinVar's aggregate classification.

NM_003873.7(NRP1):c.2483-7del

Gene: NRP1 (neuropilin 1; minus strand). Cytogenetic location: 10p11.22.
Variant type: Deletion.
Coding change: c.2483-7del on transcript NM_003873.7 (MANE Select); 7 bases into the intron before coding-DNA position 2483, one base deleted (T; older notation c.2483-7delT).
Molecular consequence: intron variant.
Genome position (GRCh38, 1-based): chr10:33,180,372, A deleted on the plus strand (T on the coding strand, the reverse complement: NRP1 is on the minus strand); the first of 7 consecutive A bases (chr10:33,180,372-33,180,378); deleting any one gives the same sequence. VCF-style (leftmost placement, unchanged base first): chr10-33180371-GA-G. GRCh37 (hg19) VCF-style: chr10-33469299-GA-G.
Other names: NC_000010.10:g.33469306del; c.2462-7del (NM_001244973.2); c.2465-7del (NM_001244972.2); c.2432-7del (NM_001330068.2); c.2483-13del (NM_003873.7).
Identifiers: ClinVar variation 3354929 (VCV003354929.2).